The following is an entry in ClinVar:

NM_017671.5(FERMT1):c.*59A>G

Gene: FERMT1 (FERM domain containing kindlin 1; minus strand). Cytogenetic location: 20p12.3.
Variant type: single nucleotide variant.
Coding change: c.*59A>G on transcript NM_017671.5 (MANE Select); 59 bases downstream of the stop codon, A replaced by G.
Molecular consequence: 3 prime UTR variant.
Genome position (GRCh38, 1-based): chr20:6,077,114, T>C on the plus strand (A>G on the coding strand, the complement: FERMT1 is on the minus strand). VCF-style: chr20-6077114-T-C. GRCh37 (hg19) VCF-style: chr20-6057761-T-C.
Identifiers: ClinVar variation 898909 (VCV000898909.4), dbSNP rs191481526, ClinGen allele CA311210473.

ClinVar aggregate classification (germline): Likely benign (1 of 4 stars; one submission).

Conditions:
Kindler syndrome (KNDLRS). Also called: Poikiloderma of Kindler; Congenital bullous poikiloderma; BULLOUS ACROKERATOTIC POIKILODERMA OF KINDLER AND WEARY; POIKILODERMA, CONGENITAL, WITH BULLAE, WEARY TYPE; POIKILODERMA, HEREDITARY ACROKERATOTIC; Hereditary acrokeratotic poikiloderma of Weary. Identifiers: Orphanet 2908, Orphanet 306539, MedGen C0406557, MONDO:0008260, OMIM 173650.

Allele frequency attached by ClinVar (database versions not stated): TOPMed 0.00044; gnomAD 0.00053 and 0.00054; gnomAD exomes 0.00055; 1000 Genomes Project 30x 0.00078; 1000 Genomes Project 0.00080.
gnomAD v4.1: 865 of 1,579,832 alleles (0.055%); highest among the groups gnomAD compares: Non-Finnish European, 0.069%; no homozygotes.

Submission:

Illumina Laboratory Services, Illumina
Classification: Likely benign for Kindler syndrome. Last evaluated: 2018-03-06. Review status: criteria provided, single submitter. Criteria: ICSL Variant Classification Criteria 13 December 2019. Collection method: clinical testing. Allele origin: germline.
Comment: This variant was observed in the ICSL laboratory as part of a predisposition screen in an ostensibly healthy population. It had not been previously curated by ICSL or reported in the Human Gene Mutation Database (HGMD: prior to June 1st, 2018), and was therefore a candidate for classification through an automated scoring system. Utilizing variant allele frequency, disease prevalence and penetrance estimates, and inheritance mode, an automated score was calculated to assess if this variant is too frequent to cause the disease. Based on the score and internal cut-off values, a variant classified as likely benign is not then subjected to further curation. The score for this variant resulted in a classification of likely benign for this disease.